The following is an entry in ClinVar:

ClinVar aggregate classification (germline): Uncertain significance (1 of 4 stars; one submission).

Submission:

Labcorp Genetics (formerly Invitae), Labcorp
Classification: Uncertain significance. Last evaluated: 2020-09-11. Review status: criteria provided, single submitter. Criteria: Invitae Variant Classification Sherloc (09022015). Collection method: clinical testing. Allele origin: germline.
Comment: This sequence change replaces glutamine with glutamic acid at codon 410 of the COL4A4 protein (p.Gln410Glu). The glutamine residue is weakly conserved and there is a small physicochemical difference between glutamine and glutamic acid. This variant is not present in population databases (ExAC no frequency). This variant has not been reported in the literature in individuals with COL4A4-related conditions. Advanced modeling of protein sequence and biophysical properties (such as structural, functional, and spatial information, amino acid conservation, physicochemical variation, residue mobility, and thermodynamic stability) performed at Invitae indicates that this missense variant is not expected to disrupt COL4A4 protein function. In summary, the available evidence is currently insufficient to determine the role of this variant in disease. Therefore, it has been classified as a Variant of Uncertain Significance.

NM_000092.5(COL4A4):c.1228C>G (p.Gln410Glu)

Gene: COL4A4 (collagen type IV alpha 4 chain; minus strand). Cytogenetic location: 2q36.3.
Variant type: single nucleotide variant.
Coding change: c.1228C>G on transcript NM_000092.5 (MANE Select); coding-DNA position 1228, C replaced by G.
Protein change: p.Gln410Glu; replaces glutamine 410 with glutamic acid.
Molecular consequence: missense variant.
Genome position (GRCh38, 1-based): chr2:227,094,266, G>C on the plus strand (C>G on the coding strand, the complement: COL4A4 is on the minus strand). VCF-style: chr2-227094266-G-C. GRCh37 (hg19) VCF-style: chr2-227958982-G-C.
Other names: short protein forms Q410E.
Identifiers: ClinVar variation 1991362 (VCV001991362.1), dbSNP rs2475257844, ClinGen allele CA350852823.
Genomic context (GRCh38, chr2:227,094,266, plus strand): 5'-AATCAGGTCTCCCAGGAATACCAGCTTCTCCTGGAAGCCCAGGAAGACCAGGAAATCCTT[G>C]TGGCCCAGGGGGTCCTATCATGCCTGCAAGATAAATCAAGAATGAAAATTACATATACTC-3'
Protein context (NP_000083.3, residues 400-420): CAGMIGPPGP[Gln410Glu]GFPGLPGLPG